The following is an entry in ClinVar:

ClinVar aggregate classification (germline): Uncertain significance (1 of 4 stars; one submission).

Submission:

CeGaT Center for Human Genetics Tuebingen
Classification: Uncertain significance. Last evaluated: 2024-11-01. Review status: criteria provided, single submitter. Criteria: CeGaT Center For Human Genetics Tuebingen Variant Classification Criteria Version 2. Collection method: clinical testing. Allele origin: germline. Affected: yes. Observed: 1 variant allele.
Comment: TTN: PM2, BP4

NM_001267550.2(TTN):c.106081A>G (p.Ile35361Val)

Genes: TTN (titin; minus strand), TTN-AS1 (TTN antisense RNA 1; plus strand), LOC129935182 (ATAC-STARR-seq lymphoblastoid active region 16807; plus strand). Cytogenetic location: 2q31.2.
Variant type: single nucleotide variant.
Coding change: c.106081A>G on transcript NM_001267550.2 (MANE Select); coding-DNA position 106081, A replaced by G.
Protein change: p.Ile35361Val; replaces isoleucine 35361 with valine.
Molecular consequence: missense variant.
Genome position (GRCh38, 1-based): chr2:178,530,534, T>C on the plus strand (A>G on the coding strand, the complement: TTN is on the minus strand). VCF-style: chr2-178530534-T-C. GRCh37 (hg19) VCF-style: chr2-179395261-T-C.
Other names: c.101158A>G, p.Ile33720Val (NM_001256850.1); c.78886A>G, p.Ile26296Val (NM_003319.4); c.98377A>G, p.Ile32793Val (NM_133378.4); c.79261A>G, p.Ile26421Val (NM_133432.3); c.79462A>G, p.Ile26488Val (NM_133437.4); short protein forms I26296V, I26421V, I26488V, I32793V, I33720V, I35361V.
Identifiers: ClinVar variation 3390038 (VCV003390038.14).